The following is an entry in ClinVar:

NM_000130.5(F5):c.4520T>A (p.Phe1507Tyr)

Gene: F5 (coagulation factor V; minus strand). Cytogenetic location: 1q24.2.
Variant type: single nucleotide variant.
Coding change: c.4520T>A on transcript NM_000130.5 (MANE Select); coding-DNA position 4520, T replaced by A.
Protein change: p.Phe1507Tyr; replaces phenylalanine 1507 with tyrosine.
Molecular consequence: missense variant.
Genome position (GRCh38, 1-based): chr1:169,540,570, A>T on the plus strand (T>A on the coding strand, the complement: F5 is on the minus strand). VCF-style: chr1-169540570-A-T. GRCh37 (hg19) VCF-style: chr1-169509808-A-T.
Other names: short protein forms F1507Y.
Identifiers: ClinVar variation 3632891 (VCV003632891.2).

ClinVar aggregate classification (germline): Uncertain significance. Review status: criteria provided, multiple submitters, no conflicts (2 of 4 stars). 2 submissions from 2 submitters: Uncertain significance (2). Last evaluated 2024-02-19.

Conditions:
Congenital factor V deficiency. Also called: Hereditary factor V deficiency disease; LABILE FACTOR DEFICIENCY; OWREN PARAHEMOPHILIA; PARAHEMOPHILIA. Identifiers: Orphanet 326, MedGen C0015499, MONDO:0009210, OMIM 227400.

gnomAD v4.1: 37 of 1,613,914 alleles (0.0023%); highest among the groups gnomAD compares: Non-Finnish European, 0.0029%; no homozygotes.

Submissions (2):

Blueprint Genetics
Classification: Uncertain significance. Last evaluated: 2024-02-19. Review status: criteria provided, single submitter. Criteria: ACMG Guidelines, 2015. Collection method: clinical testing. Allele origin: germline.

Labcorp Genetics (formerly Invitae), Labcorp
Classification: Uncertain significance for Congenital factor V deficiency. Last evaluated: 2024-02-14. Review status: criteria provided, single submitter. Criteria: Invitae Variant Classification Sherloc (09022015). Collection method: clinical testing. Allele origin: germline.
Comment: This sequence change replaces phenylalanine, which is neutral and non-polar, with tyrosine, which is neutral and polar, at codon 1507 of the F5 protein (p.Phe1507Tyr). This variant is present in population databases (rs758704727, gnomAD 0.01%). This variant has not been reported in the literature in individuals affected with F5-related conditions. Advanced modeling of protein sequence and biophysical properties (such as structural, functional, and spatial information, amino acid conservation, physicochemical variation, residue mobility, and thermodynamic stability) performed at Invitae indicates that this missense variant is expected to disrupt F5 protein function with a positive predictive value of 80%. In summary, the available evidence is currently insufficient to determine the role of this variant in disease. Therefore, it has been classified as a Variant of Uncertain Significance.